The following is an entry in ClinVar:

NM_001130438.3(SPTAN1):c.733C>G (p.Leu245Val)

Gene: SPTAN1 (spectrin alpha, non-erythrocytic 1; plus strand). Cytogenetic location: 9q34.11.
Variant type: single nucleotide variant.
Coding change: c.733C>G on transcript NM_001130438.3 (MANE Select); coding-DNA position 733, C replaced by G.
Protein change: p.Leu245Val; replaces leucine 245 with valine.
Molecular consequence: missense variant.
Genome position (GRCh38, 1-based): chr9:128,576,904, C>G. VCF-style: chr9-128576904-C-G. GRCh37 (hg19) VCF-style: chr9-131339183-C-G.
Other names: c.733C>G, p.Leu245Val (NM_001195532.2, NM_001363759.2, NM_001363765.2 and 5 more transcripts); c.769C>G, p.Leu257Val (NM_001375312.2, NM_001375318.1); short protein forms L245V, L257V.
Identifiers: ClinVar variation 1690936 (VCV001690936.2), dbSNP rs938037532, ClinGen allele CA375048179.

ClinVar aggregate classification (germline): Uncertain significance (1 of 4 stars; one submission).

gnomAD v4.1: 1 of 1,614,148 alleles (0.000062%); highest among the groups gnomAD compares: African/African-American, 0.0013%; no homozygotes.

Submission:

Laboratorio de Genetica e Diagnostico Molecular, Hospital Israelita Albert Einstein
Classification: Uncertain significance. Last evaluated: 2020-08-30. Review status: criteria provided, single submitter. Criteria: ACMG Guidelines, 2015. Collection method: clinical testing. Allele origin: germline. Affected: yes.
Comment: ACMG classification criteria: PM2, BP4